The following is an entry in ClinVar:

ClinVar aggregate classification (germline): Uncertain significance. Review status: criteria provided, multiple submitters, no conflicts (2 of 4 stars). 3 submissions from 3 submitters: Uncertain significance (3). Last evaluated 2025-09-26.

Conditions:
Inborn genetic diseases. Identifiers: MedGen C0950123, MeSH D030342.

Allele frequency attached by ClinVar (database versions not stated): ExAC 0.00001; gnomAD 0.00001; gnomAD exomes 0.00003; TOPMed 0.00004; ESP Exome Variant Server 0.00008.

Submissions (3):

Ambry Genetics
Classification: Uncertain significance for Inborn genetic diseases. Last evaluated: 2025-09-26. Review status: criteria provided, single submitter. Criteria: Ambry Variant Classification Scheme 2023. Collection method: clinical testing. Allele origin: germline.

Labcorp Genetics (formerly Invitae), Labcorp
Classification: Uncertain significance. Last evaluated: 2024-10-23. Review status: criteria provided, single submitter. Criteria: Invitae Variant Classification Sherloc (09022015). Collection method: clinical testing. Allele origin: germline.
Comment: This sequence change replaces arginine, which is basic and polar, with tryptophan, which is neutral and slightly polar, at codon 332 of the RIPK1 protein (p.Arg332Trp). This variant is present in population databases (rs370418004, gnomAD 0.003%). This variant has not been reported in the literature in individuals affected with RIPK1-related conditions. ClinVar contains an entry for this variant (Variation ID: 2656182). An algorithm developed to predict the effect of missense changes on protein structure and function (PolyPhen-2) suggests that this variant is likely to be disruptive. In summary, the available evidence is currently insufficient to determine the role of this variant in disease. Therefore, it has been classified as a Variant of Uncertain Significance.

CeGaT Center for Human Genetics Tuebingen
Classification: Uncertain significance. Last evaluated: 2022-07-01. Review status: criteria provided, single submitter. Criteria: CeGaT Center For Human Genetics Tuebingen Variant Classification Criteria Version 2. Collection method: clinical testing. Allele origin: germline. Affected: yes. Observed: 1 variant allele.
Comment: RIPK1: PM2, BP4

NM_001354930.2(RIPK1):c.994C>T (p.Arg332Trp)

Gene: RIPK1 (receptor interacting serine/threonine kinase 1; plus strand). Cytogenetic location: 6p25.2.
Variant type: single nucleotide variant.
Coding change: c.994C>T on transcript NM_001354930.2 (MANE Select); coding-DNA position 994, C replaced by T.
Protein change: p.Arg332Trp; replaces arginine 332 with tryptophan.
Molecular consequence: missense variant.
Genome position (GRCh38, 1-based): chr6:3,104,303, C>T. VCF-style: chr6-3104303-C-T. GRCh37 (hg19) VCF-style: chr6-3104537-C-T.
Other names: c.994C>T (NM_003804.3); c.505C>T, p.Arg169Trp (NM_001317061.3, NM_001354932.2, NM_001354933.2 and 1 more transcripts); c.856C>T, p.Arg286Trp (NM_001354931.2); c.994C>T, p.Arg332Trp (NM_003804.6); short protein forms R169W, R286W, R332W.
Identifiers: ClinVar variation 2656182 (VCV002656182.26), dbSNP rs370418004, ClinGen allele CA3618350.
Genomic context (GRCh38, chr6:3,104,303, plus strand): 5'-AATGCAGTTGTGAAGAGAATGCAGTCTCTTCAACTTGATTGTGTGGCAGTACCTTCAAGC[C>T]GGTCAAATTCAGGTAAATTACACTATGGTCAAAATCTATTCATTTATTTGTTTGGTTACT-3'
Protein context (NP_001341859.1, residues 322-342): QLDCVAVPSS[Arg332Trp]SNSATEQPGS